The following is an entry in ClinVar:

ClinVar aggregate classification (germline): Uncertain significance. Review status: criteria provided, multiple submitters, no conflicts (2 of 4 stars). 6 submissions from 6 submitters: Uncertain significance (6). Last evaluated 2025-07-16.

Conditions:
Cardiovascular phenotype. Identifiers: MedGen CN230736.
Arrhythmogenic right ventricular dysplasia 2. Identifiers: MedGen C1832931.
Catecholaminergic polymorphic ventricular tachycardia 1. Also called: VENTRICULAR TACHYCARDIA, STRESS-INDUCED POLYMORPHIC 1; VENTRICULAR TACHYCARDIA, CATECHOLAMINERGIC POLYMORPHIC, 1, WITH OR WITHOUT ATRIAL DYSFUNCTION AND/OR DILATED CARDIOMYOPATHY; RYR2-Related Catecholaminergic Polymorphic Ventricular Tachycardia. Identifiers: Orphanet 3286, MedGen C1631597, MONDO:0011484, OMIM 604772.
Catecholaminergic polymorphic ventricular tachycardia (CVPT). Also called: Catecholamine-induced polymorphic ventricular tachycardia. Identifiers: Orphanet 3286, MedGen C5574922, MONDO:0017990.
Cardiomyopathy (CMYO). Also called: Cardiomyopathies. Identifiers: Orphanet 167848, MedGen C0878544, MONDO:0004994, HP:0001638. Inheritance: Various modes of inheritance.

Allele frequency attached by ClinVar (database versions not stated): gnomAD 0.00001; TOPMed 0.00001.
gnomAD v4.1: 9 of 1,613,422 alleles (0.00056%); highest among the groups gnomAD compares: Middle Eastern, 0.016%; no homozygotes.

Submissions (6):

Ambry Genetics
Classification: Uncertain significance for Cardiovascular phenotype. Last evaluated: 2025-07-16. Review status: criteria provided, single submitter. Criteria: Ambry Variant Classification Scheme 2023. Collection method: clinical testing. Allele origin: germline.
Comment: The p.R3454H variant (also known as c.10361G>A), located in coding exon 72 of the RYR2 gene, results from a G to A substitution at nucleotide position 10361. The arginine at codon 3454 is replaced by histidine, an amino acid with highly similar properties. This amino acid position is well conserved in available vertebrate species. In addition, the in silico prediction for this alteration is inconclusive. Based on the available evidence, the clinical significance of this variant remains unclear.

Color Diagnostics, LLC DBA Color Health
Classification: Uncertain significance for Cardiomyopathy. Last evaluated: 2024-03-06. Review status: criteria provided, single submitter. Criteria: ACMG Guidelines, 2015. Collection method: clinical testing. Allele origin: germline.
Comment: This missense variant replaces arginine with histidine at codon 3454 of the RYR2 protein. Computational prediction suggests that this variant may have deleterious impact on protein structure and function (internally defined REVEL score threshold >= 0.7, PMID: 27666373). To our knowledge, functional studies have not been reported for this variant. This variant has not been reported in individuals affected with cardiovascular disorders in the literature. This variant has been identified in 2/248576 chromosomes in the general population by the Genome Aggregation Database (gnomAD). The available evidence is insufficient to determine the role of this variant in disease conclusively. Therefore, this variant is classified as a Variant of Uncertain Significance.

All of Us Research Program, National Institutes of Health
Classification: Uncertain significance for Catecholaminergic polymorphic ventricular tachycardia. Last evaluated: 2023-02-24. Review status: criteria provided, single submitter. Criteria: ACMG Guidelines, 2015. Collection method: clinical testing. Allele origin: germline. Inheritance: Autosomal dominant inheritance. Observed: 1 variant allele, 1 heterozygote.
Comment: This missense variant replaces arginine with histidine at codon 3454 of the RYR2 protein. Computational prediction suggests that this variant may have deleterious impact on protein structure and function (internally defined REVEL score threshold >= 0.7, PMID: 27666373). To our knowledge, functional studies have not been reported for this variant. This variant has not been reported in individuals affected with cardiovascular disorders in the literature. This variant has been identified in 2/248576 chromosomes in the general population by the Genome Aggregation Database (gnomAD). The available evidence is insufficient to determine the role of this variant in disease conclusively. Therefore, this variant is classified as a Variant of Uncertain Significance.

This study involves interpretation of variants in research participants for the purpose of population health screening. Participant phenotype was not available at the time of variant classification. Additional details can be found in publication PMID: 35346344, PMCID: PMC8962531

Labcorp Genetics (formerly Invitae), Labcorp
Classification: Uncertain significance for Catecholaminergic polymorphic ventricular tachycardia 1. Last evaluated: 2021-08-30. Review status: criteria provided, single submitter. Criteria: Invitae Variant Classification Sherloc (09022015). Collection method: clinical testing. Allele origin: germline.
Comment: This sequence change replaces arginine with histidine at codon 3454 of the RYR2 protein (p.Arg3454His). The arginine residue is highly conserved and there is a small physicochemical difference between arginine and histidine. This variant is not present in population databases (ExAC no frequency). This variant has not been reported in the literature in individuals affected with RYR2-related conditions. Algorithms developed to predict the effect of missense changes on protein structure and function (SIFT, PolyPhen-2, Align-GVGD) all suggest that this variant is likely to be disruptive. In summary, the available evidence is currently insufficient to determine the role of this variant in disease. Therefore, it has been classified as a Variant of Uncertain Significance.

GeneDx
Classification: Uncertain significance. Last evaluated: 2019-02-13. Review status: criteria provided, single submitter. Criteria: GeneDx Variant Classification Process June 2021. Collection method: clinical testing. Allele origin: germline. Affected: yes.
Comment: Has not been previously published as pathogenic or benign to our knowledge; Reported in ClinVar as a variant of uncertain significance but additional evidence is not available (ClinVar Variant ID# 463539; Landrum et al., 2016); Not observed at a significant frequency in large population cohorts (Lek et al., 2016); In silico analysis, which includes protein predictors and evolutionary conservation, supports a deleterious effect; Is not located in one of the three hot-spot regions of the RYR2 gene, where the majority of pathogenic missense variants occur (Medeiros-Domingo et al., 2009)

Fulgent Genetics
Classification: Uncertain significance for Catecholaminergic polymorphic ventricular tachycardia 1. Last evaluated: 2018-10-31. Review status: criteria provided, single submitter. Criteria: ACMG Guidelines, 2015. Collection method: clinical testing. Allele origin: unknown.

NM_001035.3(RYR2):c.10361G>A (p.Arg3454His)

Gene: RYR2 (ryanodine receptor 2; plus strand). Cytogenetic location: 1q43.
Variant type: single nucleotide variant.
Coding change: c.10361G>A on transcript NM_001035.3 (MANE Select); coding-DNA position 10361, G replaced by A.
Protein change: p.Arg3454His; replaces arginine 3454 with histidine.
Molecular consequence: missense variant.
Genome position (GRCh38, 1-based): chr1:237,717,235, G>A. VCF-style: chr1-237717235-G-A. GRCh37 (hg19) VCF-style: chr1-237880535-G-A.
Other names: c.10361G>A, p.Arg3454His (LRG_402t1); short protein forms R3454H.
Identifiers: ClinVar variation 463539 (VCV000463539.16), dbSNP rs1229045575, ClinGen allele CA345414277.
Genomic context (GRCh38, chr1:237,717,235, plus strand): 5'-CAGCACTTCTCTTTGTTCCATAGGCAGCTGTTTCTGATCAGGAAAGGAAGAAAATGAAGC[G>A]CAAAGGAGATCGGTATTCCATGCAGACCTCTCTGATTGTAGCAGCTCTGAAGCGGTTACT-3'
Protein context (NP_001026.2, residues 3444-3464): VSDQERKKMK[Arg3454His]KGDRYSMQTS